The following is an entry in ClinVar:

ClinVar aggregate classification (germline): Likely benign. Review status: criteria provided, multiple submitters, no conflicts (2 of 4 stars). 2 submissions from 2 submitters: Likely benign (2). Last evaluated 2023-09-10.

Conditions:
Dilated cardiomyopathy 1G (CMD1G). Identifiers: Orphanet 154, MedGen C1858763, MONDO:0011400, OMIM 604145.
Autosomal recessive limb-girdle muscular dystrophy type 2J (LGMDR10). Also called: Limb-girdle muscular dystrophy, type 2J; MUSCULAR DYSTROPHY, LIMB-GIRDLE, AUTOSOMAL RECESSIVE 10. Identifiers: Orphanet 140922, MedGen C1837342, MONDO:0012127, OMIM 608807.

Allele frequency attached by ClinVar (database versions not stated): gnomAD exomes below 0.00001.
gnomAD v4.1: 1 of 1,613,882 alleles (0.000062%); highest among the groups gnomAD compares: Non-Finnish European, 0.000085%; no homozygotes.

Submissions (2):

Labcorp Genetics (formerly Invitae), Labcorp
Classification: Likely benign for Dilated cardiomyopathy 1G; Autosomal recessive limb-girdle muscular dystrophy type 2J. Last evaluated: 2023-09-10. Review status: criteria provided, single submitter. Criteria: Invitae Variant Classification Sherloc (09022015). Collection method: clinical testing. Allele origin: germline.

Laboratory for Molecular Medicine, Mass General Brigham Personalized Medicine
Classification: Likely benign. Last evaluated: 2014-10-06. Review status: criteria provided, single submitter. Criteria: LMM Criteria. Collection method: clinical testing. Allele origin: germline. Observed: 1 variant allele.
Comment: 3523+9A>C in intron 21 of TTN: This variant is not expected to have clinical sig nificance because it is not located within the splice consensus sequence. 3523+ 9A>C in intron 21 of TTN (allele frequency = n/a)

NM_001267550.2(TTN):c.3523+9A>C

Gene: TTN (titin; minus strand). Cytogenetic location: 2q31.2.
Variant type: single nucleotide variant.
Coding change: c.3523+9A>C on transcript NM_001267550.2 (MANE Select); 9 bases into the intron after coding-DNA position 3523, A replaced by C.
Molecular consequence: intron variant.
Genome position (GRCh38, 1-based): chr2:178,781,112, T>G on the plus strand (A>C on the coding strand, the complement: TTN is on the minus strand). VCF-style: chr2-178781112-T-G. GRCh37 (hg19) VCF-style: chr2-179645839-T-G.
Other names: c.3523+9A>C (NM_133378.4, NM_001256850.1, NM_133379.5); c.3385+9A>C (NM_003319.4, NM_133437.4, NM_133432.3).
Identifiers: ClinVar variation 166327 (VCV000166327.8), dbSNP rs727503700, ClinGen allele CA179360.